The following is an entry in ClinVar:

ClinVar aggregate classification (germline): Uncertain significance (1 of 4 stars; one submission).

Conditions:
Cryopyrin associated periodic syndrome (CAPS). Identifiers: Orphanet 208650, MedGen C2316212, MONDO:0016168.

gnomAD v4.1: 1 of 1,614,094 alleles (0.000062%); highest among the groups gnomAD compares: African/African-American, 0.0013%; no homozygotes.

Submission:

Labcorp Genetics (formerly Invitae), Labcorp
Classification: Uncertain significance for Cryopyrin associated periodic syndrome. Last evaluated: 2024-07-04. Review status: criteria provided, single submitter. Criteria: Invitae Variant Classification Sherloc (09022015). Collection method: clinical testing. Allele origin: germline.
Comment: This sequence change replaces arginine, which is basic and polar, with lysine, which is basic and polar, at codon 337 of the NLRP3 protein (p.Arg337Lys). This variant is present in population databases (rs754941278, gnomAD 0.01%). This variant has not been reported in the literature in individuals affected with NLRP3-related conditions. Algorithms developed to predict the effect of missense changes on protein structure and function output the following: SIFT: "Not Available"; PolyPhen-2: "Benign"; Align-GVGD: "Not Available". The lysine amino acid residue is found in multiple mammalian species, which suggests that this missense change does not adversely affect protein function. In summary, the available evidence is currently insufficient to determine the role of this variant in disease. Therefore, it has been classified as a Variant of Uncertain Significance.

NM_001243133.2(NLRP3):c.1004G>A (p.Arg335Lys)

Gene: NLRP3 (NLR family pyrin domain containing 3; plus strand). Cytogenetic location: 1q44.
Variant type: single nucleotide variant.
Coding change: c.1004G>A on transcript NM_001243133.2 (MANE Select); coding-DNA position 1004, G replaced by A.
Protein change: p.Arg335Lys; replaces arginine 335 with lysine.
Molecular consequence: missense variant.
Genome position (GRCh38, 1-based): chr1:247,424,453, G>A. VCF-style: chr1-247424453-G-A. GRCh37 (hg19) VCF-style: chr1-247587755-G-A.
Other names: c.1010G>A, p.Arg337Lys (NM_004895.5); c.1004G>A, p.Arg335Lys (NM_183395.3, NM_001079821.3, NM_001127461.3 and 1 more transcripts); short protein forms R337K, R335K.
Identifiers: ClinVar variation 3633872 (VCV003633872.2).